The following is an entry in ClinVar:

NM_013372.7(GREM1):c.344A>G (p.Asn115Ser)

Gene: GREM1 (gremlin 1, DAN family BMP antagonist; plus strand). Cytogenetic location: 15q13.3.
Variant type: single nucleotide variant.
Coding change: c.344A>G on transcript NM_013372.7 (MANE Select); coding-DNA position 344, A replaced by G.
Protein change: p.Asn115Ser; replaces asparagine 115 with serine.
Molecular consequence: missense variant.
Genome position (GRCh38, 1-based): chr15:32,731,034, A>G. VCF-style: chr15-32731034-A-G. GRCh37 (hg19) VCF-style: chr15-33023235-A-G.
Other names: c.134A>G, p.Asn45Ser (NM_001191322.2); c.221A>G, p.Asn74Ser (NM_001191323.2); c.344A>G, p.Asn115Ser (NM_001368719.1); short protein forms N115S, N45S, N74S.
Identifiers: ClinVar variation 3522499 (VCV003522499.1).

ClinVar aggregate classification (germline): Uncertain significance (1 of 4 stars; one submission).

Conditions:
Hereditary cancer-predisposing syndrome. Also called: Hereditary Cancer Syndrome; Hereditary neoplastic syndrome; Tumor predisposition; Neoplastic Syndromes, Hereditary. Identifiers: Orphanet 140162, MedGen C0027672, MeSH D009386, MONDO:0015356.

Submission:

Ambry Genetics
Classification: Uncertain significance for Hereditary cancer-predisposing syndrome. Last evaluated: 2024-07-28. Review status: criteria provided, single submitter. Criteria: Ambry Variant Classification Scheme 2023. Collection method: clinical testing. Allele origin: germline.
Comment: The p.N115S variant (also known as c.344A>G), located in coding exon 1 of the GREM1 gene, results from an A to G substitution at nucleotide position 344. The asparagine at codon 115 is replaced by serine, an amino acid with highly similar properties. This amino acid position is conserved. In addition, this alteration is predicted to be tolerated by in silico analysis. Based on the available evidence, the clinical significance of this variant remains unclear.